The following is an entry in ClinVar:

ClinVar aggregate classification (germline): Uncertain significance (1 of 4 stars; one submission).

Submission:

Labcorp Genetics (formerly Invitae), Labcorp
Classification: Uncertain significance. Last evaluated: 2025-11-02. Review status: criteria provided, single submitter. Criteria: Invitae Variant Classification Sherloc (09022015). Collection method: clinical testing. Allele origin: germline.
Comment: This sequence change replaces alanine, which is neutral and non-polar, with threonine, which is neutral and polar, at codon 2798 of the FRAS1 protein (p.Ala2798Thr). This variant is not present in population databases (gnomAD no frequency). This variant has not been reported in the literature in individuals affected with FRAS1-related conditions. Invitae Evidence Modeling of protein sequence and biophysical properties (such as structural, functional, and spatial information, amino acid conservation, physicochemical variation, residue mobility, and thermodynamic stability) indicates that this missense variant is expected to disrupt FRAS1 protein function with a positive predictive value of 80%. In summary, the available evidence is currently insufficient to determine the role of this variant in disease. Therefore, it has been classified as a Variant of Uncertain Significance.

NM_025074.7(FRAS1):c.8392G>A (p.Ala2798Thr)

Gene: FRAS1 (Fraser extracellular matrix complex subunit 1; plus strand). Cytogenetic location: 4q21.21.
Variant type: single nucleotide variant.
Coding change: c.8392G>A on transcript NM_025074.7 (MANE Select); coding-DNA position 8392, G replaced by A.
Protein change: p.Ala2798Thr; replaces alanine 2798 with threonine.
Molecular consequence: missense variant.
Genome position (GRCh38, 1-based): chr4:78,479,667, G>A. VCF-style: chr4-78479667-G-A. GRCh37 (hg19) VCF-style: chr4-79400821-G-A.
Other names: short protein forms A2798T.
Identifiers: ClinVar variation 4808600 (VCV004808600.1).